The following is an entry in ClinVar:

ClinVar aggregate classification (germline): Likely benign. Review status: criteria provided, single submitter (1 of 4 stars). 2 submissions from 2 submitters: Likely benign (1). 1 of the submissions does not count toward it. Last evaluated 2022-08-08.

Conditions:
GPR143-related disorder. Also called: GPR143-related condition.

Allele frequency attached by ClinVar (database versions not stated): gnomAD exomes below 0.00001.

Submissions (2):

Labcorp Genetics (formerly Invitae), Labcorp
Classification: Likely benign. Last evaluated: 2022-08-08. Review status: criteria provided, single submitter. Criteria: Invitae Variant Classification Sherloc (09022015). Collection method: clinical testing. Allele origin: germline.

PreventionGenetics, part of Exact Sciences
Classification: Likely benign for GPR143-related condition. Last evaluated: 2019-07-31. Review status: no assertion criteria provided. Collection method: clinical testing. Allele origin: germline. Not counted in ClinVar's aggregate classification.
Comment: This variant is classified as likely benign based on ACMG/AMP sequence variant interpretation guidelines (Richards et al. 2015 PMID: 25741868, with internal and published modifications).

NM_000273.3(GPR143):c.886-10C>T

Gene: GPR143 (G protein-coupled receptor 143; minus strand). Cytogenetic location: Xp22.2.
Variant type: single nucleotide variant.
Coding change: c.886-10C>T on transcript NM_000273.3 (MANE Select); 10 bases into the intron before coding-DNA position 886, C replaced by T.
Molecular consequence: intron variant.
Genome position (GRCh38, 1-based): chrX:9,739,729, G>A on the plus strand (C>T on the coding strand, the complement: GPR143 is on the minus strand). VCF-style: chrX-9739729-G-A. GRCh37 (hg19) VCF-style: chrX-9707769-G-A.
Other names: c.886-10C>T (NM_000273.2).
Identifiers: ClinVar variation 2103849 (VCV002103849.6), dbSNP rs2083394498, ClinGen allele CA2415023903.